The following is an entry in ClinVar:

NM_001184.4(ATR):c.2577A>G (p.Ile859Met)

Gene: ATR (ATR checkpoint kinase; minus strand). Cytogenetic location: 3q23.
Variant type: single nucleotide variant.
Coding change: c.2577A>G on transcript NM_001184.4 (MANE Select); coding-DNA position 2577, A replaced by G.
Protein change: p.Ile859Met; replaces isoleucine 859 with methionine.
Molecular consequence: missense variant.
Genome position (GRCh38, 1-based): chr3:142,553,696, T>C on the plus strand (A>G on the coding strand, the complement: ATR is on the minus strand). VCF-style: chr3-142553696-T-C. GRCh37 (hg19) VCF-style: chr3-142272538-T-C.
Other names: c.2385A>G, p.Ile795Met (NM_001354579.2); short protein forms I859M, I795M.
Identifiers: ClinVar variation 1793320 (VCV001793320.3), dbSNP rs1319704567, ClinGen allele CA354815601.

ClinVar aggregate classification (germline): Uncertain significance (1 of 4 stars; one submission).

Conditions:
Inborn genetic diseases. Identifiers: MedGen C0950123, MeSH D030342.

Allele frequency attached by ClinVar (database versions not stated): gnomAD exomes below 0.00001.
gnomAD v4.1: 4 of 1,613,004 alleles (0.00025%); highest among the groups gnomAD compares: Admixed American, 0.0033%; no homozygotes.

Submission:

Ambry Genetics
Classification: Uncertain significance for Inborn genetic diseases. Last evaluated: 2024-11-03. Review status: criteria provided, single submitter. Criteria: Ambry Variant Classification Scheme 2023. Collection method: clinical testing. Allele origin: germline.
Comment: The p.I859M variant (also known as c.2577A>G), located in coding exon 12 of the ATR gene, results from an A to G substitution at nucleotide position 2577. The isoleucine at codon 859 is replaced by methionine, an amino acid with highly similar properties. This amino acid position is conserved. In addition, this alteration is predicted to be tolerated by in silico analysis. Since supporting evidence is limited at this time, the clinical significance of this alteration remains unclear.